The following is an entry in ClinVar:

NC_000016.9:g.(?_78148853)_(78149071_?)del

Gene: WWOX (WW domain containing oxidoreductase; plus strand). Cytogenetic location: 16q23.1.
Variant type: Deletion.
Identifiers: ClinVar variation 2426300 (VCV002426300.3).

ClinVar aggregate classification (germline): Pathogenic (1 of 4 stars; one submission).

Conditions:
Autosomal recessive spinocerebellar ataxia 12. Also called: SPINOCEREBELLAR ATAXIA WITH MENTAL RETARDATION AND EPILEPSY. Identifiers: Orphanet 284282, MedGen C3280452, MONDO:0013687, OMIM 614322.
Developmental and epileptic encephalopathy, 1 (DEE1). Also called: Epileptic encephalopathy, early infantile, 1; INFANTILE SPASM SYNDROME, X-LINKED 1; X-linked infantile spasms; West's syndrome; Tonic spasms with clustering, arrest of psychomotor development and hypsarrhythmia on EEG; X-Linked Infantile Spasm Syndrome. Identifiers: MedGen C3463992, MONDO:0010632, OMIM 308350. Disease mechanism: loss of function.

Submission:

Labcorp Genetics (formerly Invitae), Labcorp
Classification: Pathogenic for Developmental and epileptic encephalopathy, 1; Autosomal recessive spinocerebellar ataxia 12. Last evaluated: 2023-08-17. Review status: criteria provided, single submitter. Criteria: Invitae Variant Classification Sherloc (09022015). Collection method: clinical testing. Allele origin: germline.
Comment: A similar copy number variant has been observed in individual(s) with WWOX-related conditions (PMID: 30356099). For these reasons, this variant has been classified as Pathogenic. This variant is a gross deletion of the genomic region encompassing exon(s) 4 of the WWOX gene. This deletion is out-of-frame, and is expected to create a premature termination codon and result in an absent or disrupted protein product. Loss-of-function variants in WWOX are known to be pathogenic (PMID: 24456803, 25411445).

Literature cited by the submitters: PubMed 30356099; PubMed 24456803; PubMed 25411445.